The following is an entry in ClinVar:

ClinVar aggregate classification (germline): Uncertain significance. Review status: criteria provided, multiple submitters, no conflicts (2 of 4 stars). 2 submissions from 2 submitters: Uncertain significance (2). Last evaluated 2021-09-18.

Conditions:
Familial cancer of breast. Also called: hereditary breast carcinoma; BREAST CANCER, FAMILIAL; Hereditary breast cancer. Identifiers: Orphanet 227535, MedGen C0346153, MONDO:0016419, OMIM 114480. Disease mechanism: loss of function.
Fanconi anemia complementation group J. Also called: BRIP1-Related Fanconi Anemia. Identifiers: Orphanet 84, MedGen C1836860, MONDO:0012187, OMIM 609054.
Hereditary cancer-predisposing syndrome. Also called: Hereditary neoplastic syndrome; Neoplastic Syndromes, Hereditary; Hereditary Cancer Syndrome; Tumor predisposition. Identifiers: Orphanet 140162, MedGen C0027672, MeSH D009386, MONDO:0015356.

Allele frequency attached by ClinVar (database versions not stated): gnomAD 0.00001.
gnomAD v4.1: 1 of 1,613,166 alleles (0.000062%); highest among the groups gnomAD compares: African/African-American, 0.0013%; no homozygotes.

Submissions (2):

Labcorp Genetics (formerly Invitae), Labcorp
Classification: Uncertain significance for Familial cancer of breast; Fanconi anemia complementation group J. Last evaluated: 2021-09-18. Review status: criteria provided, single submitter. Criteria: Invitae Variant Classification Sherloc (09022015). Collection method: clinical testing. Allele origin: germline.
Comment: This variant is not present in population databases (ExAC no frequency). This variant has not been reported in the literature in individuals affected with BRIP1-related conditions. Algorithms developed to predict the effect of missense changes on protein structure and function output the following: SIFT: "Tolerated"; PolyPhen-2: "Benign"; Align-GVGD: "Class C0". The isoleucine amino acid residue is found in multiple mammalian species, which suggests that this missense change does not adversely affect protein function. In summary, the available evidence is currently insufficient to determine the role of this variant in disease. Therefore, it has been classified as a Variant of Uncertain Significance. This sequence change replaces threonine with isoleucine at codon 1193 of the BRIP1 protein (p.Thr1193Ile). The threonine residue is weakly conserved and there is a moderate physicochemical difference between threonine and isoleucine.

Ambry Genetics
Classification: Uncertain significance for Hereditary cancer-predisposing syndrome. Last evaluated: 2021-08-25. Review status: criteria provided, single submitter. Criteria: Ambry Variant Classification Scheme 2023. Collection method: clinical testing. Allele origin: germline.
Comment: The p.T1193I variant (also known as c.3578C>T), located in coding exon 19 of the BRIP1 gene, results from a C to T substitution at nucleotide position 3578. The threonine at codon 1193 is replaced by isoleucine, an amino acid with similar properties. This amino acid position is conserved. In addition, this alteration is predicted to be tolerated by in silico analysis. Since supporting evidence is limited at this time, the clinical significance of this alteration remains unclear.

NM_032043.3(BRIP1):c.3578C>T (p.Thr1193Ile)

Gene: BRIP1 (BRCA1 interacting DNA helicase 1; minus strand). Cytogenetic location: 17q23.2.
Variant type: single nucleotide variant.
Coding change: c.3578C>T on transcript NM_032043.3 (MANE Select); coding-DNA position 3578, C replaced by T.
Protein change: p.Thr1193Ile; replaces threonine 1193 with isoleucine.
Molecular consequence: missense variant.
Genome position (GRCh38, 1-based): chr17:61,683,468, G>A on the plus strand (C>T on the coding strand, the complement: BRIP1 is on the minus strand). VCF-style: chr17-61683468-G-A. GRCh37 (hg19) VCF-style: chr17-59760829-G-A.
Other names: short protein forms T1193I.
Identifiers: ClinVar variation 1416874 (VCV001416874.9), dbSNP rs1368343911, ClinGen allele CA400478177.
Genomic context (GRCh38, chr17:61,683,468, plus strand): 5'-ACATTACCATCAATGTCATCAATTTTACTTTCTTCAATATGCAGAATTCCATTCAACTTT[G>A]TATCTATGCAATCCTCAGCTTTCACTTCTCTGGCTGAATCTACTTCTTTTATAGTTCTAA-3'
Protein context (NP_114432.2, residues 1183-1203): REVKAEDCID[Thr1193Ile]KLNGILHIEE